The following is an entry in ClinVar:

NM_000256.3(MYBPC3):c.1292_1293delinsCA (p.Asp431Ala)

Gene: MYBPC3 (myosin binding protein C3; minus strand). Cytogenetic location: 11p11.2.
Variant type: Indel.
Coding change: c.1292_1293delinsCA on transcript NM_000256.3 (MANE Select); coding-DNA positions 1292 to 1293, AC replaced by CA.
Protein change: p.Asp431Ala; replaces aspartic acid 431 with alanine.
Molecular consequence: missense variant.
Genome position (GRCh38, 1-based): chr11:47,343,079-47,343,080, GT replaced by TG on the plus strand (AC replaced by CA on the coding strand, the reverse complement: MYBPC3 is on the minus strand). VCF-style: chr11-47343079-GT-TG. GRCh37 (hg19) VCF-style: chr11-47364630-GT-TG.
Other names: short protein forms D431A.
Identifiers: ClinVar variation 1394201 (VCV001394201.6), dbSNP rs2142861714, ClinGen allele CA2573147071.

ClinVar aggregate classification (germline): Uncertain significance (1 of 4 stars; one submission).

Conditions:
Hypertrophic cardiomyopathy. Also called: HYPERTROPHIC MYOCARDIOPATHY. Identifiers: Orphanet 217569, MedGen C0007194, MeSH D002312, MONDO:0005045, HP:0001639.

Submission:

Labcorp Genetics (formerly Invitae), Labcorp
Classification: Uncertain significance for Hypertrophic cardiomyopathy. Last evaluated: 2021-11-19. Review status: criteria provided, single submitter. Criteria: Invitae Variant Classification Sherloc (09022015). Collection method: clinical testing. Allele origin: germline.
Comment: Algorithms developed to predict the effect of sequence changes on RNA splicing suggest that this variant may create or strengthen a splice site. In summary, the available evidence is currently insufficient to determine the role of this variant in disease. Therefore, it has been classified as a Variant of Uncertain Significance. Algorithms developed to predict the effect of missense changes on protein structure and function are either unavailable or do not agree on the potential impact of this missense change (SIFT: "Not Available"; PolyPhen-2: "Possibly Damaging"; Align-GVGD: "Not Available"). This variant has not been reported in the literature in individuals affected with MYBPC3-related conditions. Information on the frequency of this variant in the gnomAD database is not available, as this variant may be reported differently in the database. This sequence change replaces aspartic acid, which is acidic and polar, with alanine, which is neutral and non-polar, at codon 431 of the MYBPC3 protein (p.Asp431Ala).